The following is an entry in ClinVar:

NM_004204.5(PIGQ):c.69G>A (p.Trp23Ter)

Gene: PIGQ (phosphatidylinositol glycan anchor biosynthesis class Q; plus strand). Cytogenetic location: 16p13.3.
Variant type: single nucleotide variant.
Coding change: c.69G>A on transcript NM_004204.5 (MANE Select); coding-DNA position 69, G replaced by A.
Protein change: p.Trp23Ter; replaces tryptophan 23 with a stop codon.
Molecular consequence: nonsense.
Genome position (GRCh38, 1-based): chr16:574,143, G>A. VCF-style: chr16-574143-G-A. GRCh37 (hg19) VCF-style: chr16-624143-G-A.
Other names: c.69G>A, p.Trp23Ter (NM_148920.4); short protein forms W23*.
Identifiers: ClinVar variation 3662397 (VCV003662397.2).

ClinVar aggregate classification (germline): Pathogenic (1 of 4 stars; one submission).

Conditions:
Epilepsy. Also called: Seizure disorder. Identifiers: MedGen C0014544, MeSH D004827, MONDO:0005027.

Submission:

Labcorp Genetics (formerly Invitae), Labcorp
Classification: Pathogenic for Epilepsy. Last evaluated: 2024-08-31. Review status: criteria provided, single submitter. Criteria: Invitae Variant Classification Sherloc (09022015). Collection method: clinical testing. Allele origin: germline.
Comment: This sequence change creates a premature translational stop signal (p.Trp23*) in the PIGQ gene. It is expected to result in an absent or disrupted protein product. Loss-of-function variants in PIGQ are known to be pathogenic (PMID: 24463883, 25558065). This variant is not present in population databases (gnomAD no frequency). This variant has not been reported in the literature in individuals affected with PIGQ-related conditions. Algorithms developed to predict the effect of sequence changes on RNA splicing suggest that this variant may create or strengthen a splice site. For these reasons, this variant has been classified as Pathogenic.

Literature cited by the submitters: PubMed 24463883; PubMed 25558065.